The following is an entry in ClinVar:

NM_000204.5(CFI):c.1268C>A (p.Ala423Glu)

Gene: CFI (complement factor I; minus strand). Cytogenetic location: 4q25.
Variant type: single nucleotide variant.
Coding change: c.1268C>A on transcript NM_000204.5 (MANE Select); coding-DNA position 1268, C replaced by A.
Protein change: p.Ala423Glu; replaces alanine 423 with glutamic acid.
Molecular consequence: missense variant. On other transcripts: non-coding transcript variant (2).
Genome position (GRCh38, 1-based): chr4:109,746,383, G>T on the plus strand (C>A on the coding strand, the complement: CFI is on the minus strand). VCF-style: chr4-109746383-G-T. GRCh37 (hg19) VCF-style: chr4-110667539-G-T.
Other names: c.1292C>A, p.Ala431Glu (NM_001318057.2, NM_001375278.1); c.1247C>A, p.Ala416Glu (NM_001331035.2, NM_001375280.1, NM_001375282.1); c.1268C>A, p.Ala423Glu (NM_001375279.1, NM_001375281.1); c.1211C>A, p.Ala404Glu (NM_001375283.1); c.659C>A, p.Ala220Glu (NM_001375284.1); short protein forms A220E, A404E, A416E, A423E, A431E.
Identifiers: ClinVar variation 988224 (VCV000988224.8), dbSNP rs555832641, ClinGen allele CA3041959.

ClinVar aggregate classification (germline): Conflicting classifications of pathogenicity. Review status: criteria provided, conflicting classifications (1 of 4 stars). 3 submissions from 3 submitters: Likely pathogenic (1); Uncertain significance (1). 1 of the submissions does not count toward it. Last evaluated 2026-09-17.

Conditions:
Atypical hemolytic-uremic syndrome. Identifiers: Orphanet 2134, MedGen C2931788, MONDO:0016244.

Allele frequency attached by ClinVar (database versions not stated): ExAC 0.00002; gnomAD exomes 0.00002; TOPMed 0.00002; gnomAD 0.00004 and 0.00005; 1000 Genomes Project 30x 0.00031; 1000 Genomes Project 0.00040.
gnomAD v4.1: 13 of 1,614,034 alleles (0.00081%); highest among the groups gnomAD compares: East Asian, 0.029%; no homozygotes.

Submissions (3):

Genomenon, Inc
Classification: Likely pathogenic for Atypical hemolytic-uremic syndrome. Last evaluated: 2026-09-17. Review status: criteria provided, single submitter. Criteria: Genomenon Sequence Variant Interpretation Standards - Updated. Collection method: curation. Allele origin: germline. Affected: yes.
Comment: CFI p.Ala423Glu (c.1268C>A) is a missense variant that changes the amino acid at codon 423 from Alanine to Glutamic acid. This variant has been observed in at least one proband affected with atypical hemolytic-uremic syndrome (PMID:27268256;31900968). This variant is located in a mutational hotspot and/or important functional domain. It is absent or not present at a significant frequency in gnomAD. In conclusion, we classify CFI p.Ala423Glu (c.1268C>A) as a likely pathogenic variant.

Labcorp Genetics (formerly Invitae), Labcorp
Classification: Uncertain significance. Last evaluated: 2025-08-05. Review status: criteria provided, single submitter. Criteria: Invitae Variant Classification Sherloc (09022015). Collection method: clinical testing. Allele origin: germline.
Comment: This sequence change replaces alanine, which is neutral and non-polar, with glutamic acid, which is acidic and polar, at codon 423 of the CFI protein (p.Ala423Glu). This variant is present in population databases (rs555832641, gnomAD 0.03%). This missense change has been observed in individual(s) with atypical hemolytic uremia (PMID: 27268256, 31900968). ClinVar contains an entry for this variant (Variation ID: 988224). Invitae Evidence Modeling of protein sequence and biophysical properties (such as structural, functional, and spatial information, amino acid conservation, physicochemical variation, residue mobility, and thermodynamic stability) indicates that this missense variant is not expected to disrupt CFI protein function with a negative predictive value of 95%. In summary, the available evidence is currently insufficient to determine the role of this variant in disease. Therefore, it has been classified as a Variant of Uncertain Significance.

Sydney Genome Diagnostics, Children's Hospital Westmead
Classification: Uncertain significance for Atypical hemolytic-uremic syndrome. Last evaluated: 2018-08-22. Review status: no assertion criteria provided. Collection method: clinical testing. Allele origin: unknown. Affected: yes. Observed: 1 variant allele, 1 heterozygote. Not counted in ClinVar's aggregate classification.
Comment: To our knowledge, this variant has not been previously reported in the literature or any disease specific databases to be a disease causing variant. This variant has been reported in the gnomAD browser with a very low allele frequency of 0.002% (6 out of 277,070 alleles). In silico analysis of pathogenicity (through Alamut Visual v2.8.1) using PolyPhen2, SIFT and MutationTaster suggest that this variant does not affect protein function and is likely to be benign. However, this analysis alone cannot be used to exclude pathogenicity. This variant is considered to be a variant of uncertain clinical significance (VOUS) according to the ACMG guidelines.

Literature cited by the submitters: PubMed 27268256 (cited by Genomenon, Inc and Labcorp Genetics (formerly Invitae), Labcorp); PubMed 31900968 (cited by Genomenon, Inc and Labcorp Genetics (formerly Invitae), Labcorp).